The following is an entry in ClinVar:

ClinVar aggregate classification (germline): Pathogenic/Likely pathogenic. Review status: criteria provided, multiple submitters, no conflicts (2 of 4 stars). 10 submissions from 10 submitters: Pathogenic (8); Likely pathogenic (2). Last evaluated 2026-05-12.

Conditions:
COL7A1-related disorder. Also called: COL7A1- related disorders; COL7A1-related condition.
Epidermolysis bullosa pruriginosa. Also called: DEB, PRURIGINOSA; DYSTROPHIC EPIDERMOLYSIS BULLOSA PRURIGINOSA. Identifiers: Orphanet 89843, MedGen C1275114, MONDO:0011398, OMIM 604129.
Generalized dominant dystrophic epidermolysis bullosa (DDEB). Also called: DDEB, generalized; DDEB-gen; DYSTROPHIC EPIDERMOLYSIS BULLOSA, AUTOSOMAL DOMINANT; Epidermolysis bullosa dystrophica, autosomal dominant; Dominant DEB (DDEB). Identifiers: Orphanet 231568, MedGen C0432322, MONDO:0007549, OMIM 131750.
Nonsyndromic congenital nail disorder 8. Also called: TOENAIL DYSTROPHY, ISOLATED. Identifiers: MedGen C1843761, MONDO:0011852, OMIM 607523.
Transient bullous dermolysis of the newborn (TBDN). Also called: EPIDERMOLYSIS BULLOSA DYSTROPHICA, NEONATAL FORM; DYSTROPHIC EPIDERMOLYSIS BULLOSA, NEONATAL. Identifiers: Orphanet 79411, MedGen C1851573, MONDO:0007548, OMIM 131705.
Pretibial dystrophic epidermolysis bullosa. Also called: EPIDERMOLYSIS BULLOSA DYSTROPHICA, PRETIBIAL; Pretibial epidermolysis bullosa; Pretibial blistering. Identifiers: Orphanet 79410, MedGen C0432321, MONDO:0007552, OMIM 131850, HP:0012221.
Dominant dystrophic epidermolysis bullosa with absence of skin. Also called: EPIDERMOLYSIS BULLOSA WITH CONGENITAL LOCALIZED ABSENCE OF SKIN AND DEFORMITY OF NAILS; EPIDERMOLYSIS BULLOSA DYSTROPHICA, BART TYPE. Identifiers: MedGen C0268371, MONDO:0007557, OMIM 132000.
Recessive dystrophic epidermolysis bullosa (RDEB). Also called: EPIDERMOLYSIS BULLOSA DYSTROPHICA, GENERALIZED SEVERE, AUTOSOMAL RECESSIVE; severe generalized recessive dystrophic epidermolysis bullosa; DYSTROPHIC EPIDERMOLYSIS BULLOSA, AUTOSOMAL RECESSIVE; EPIDERMOLYSIS BULLOSA DYSTROPHICA, HALLOPEAU-SIEMENS TYPE; Hallopeau-Siemens Disease; Epidermolysis Bullosa Distrophica Autosomal Recessive (RDEB). Identifiers: Orphanet 79408, Orphanet 79409, MedGen C0079474, MONDO:0009179, OMIM 226600.
Epidermolysis bullosa dystrophica. Also called: Dystrophic epidermolysis bullosa, Hallopeau-Siemens type (formerly); Dystrophic epidermolysis bullosa. Identifiers: Orphanet 303, MedGen C0079294, MONDO:0006543.

Allele frequency attached by ClinVar (database versions not stated): ExAC 0.00002; gnomAD exomes 0.00002; gnomAD 0.00005; ESP Exome Variant Server 0.00008; TOPMed 0.00008.
gnomAD v4.1: 48 of 1,613,992 alleles (0.003%); highest among the groups gnomAD compares: African/African-American, 0.021%; no homozygotes.

Submissions (10):

PreventionGenetics, part of Exact Sciences
Classification: Pathogenic for COL7A1-related condition. Last evaluated: 2026-05-12. Review status: criteria provided, single submitter. Criteria: ACMG Guidelines, 2015. Collection method: clinical testing. Allele origin: germline.
Comment: The COL7A1 c.7864C>T variant is predicted to result in the amino acid substitution p.Arg2622Trp. This variant has been reported with a second COL7A1 variant in individuals with autosomal recessive epidermolysis bullosa dystrophica (see, for example: Gardella et al. 2002. PubMed ID: 12485454; Escámez et al. 2010. PubMed ID: 20184583; Almaani et al. 2011. PubMed ID: 21448560). In vitro functional studies suggest this variant impacts protein function (Woodley et al. 2021. PubMed ID: 34674926). An alternative nucleotide substitution affecting the same amino acid (p.Arg2622Gln) has also been reported in an individual with epidermolysis bullosa dystrophica (Appendix I, Varki et al. 2007. PubMed ID: 16971478). The p.Arg2622Trp variant is reported in 0.016% of alleles in individuals of African descent in a large population database (gnomAD). This variant is interpreted as pathogenic.

Labcorp Genetics (formerly Invitae), Labcorp
Classification: Pathogenic. Last evaluated: 2025-10-21. Review status: criteria provided, single submitter. Criteria: Invitae Variant Classification Sherloc (09022015). Collection method: clinical testing. Allele origin: germline.
Comment: This sequence change replaces arginine, which is basic and polar, with tryptophan, which is neutral and slightly polar, at codon 2622 of the COL7A1 protein (p.Arg2622Trp). This variant is present in population databases (rs139318843, gnomAD 0.02%). This missense change has been observed in individual(s) with autosomal recessive dystrophic epidermolysis bullosa (PMID: 12485454, 20184583, 21448560, 22266148). In at least one individual the data is consistent with being in trans (on the opposite chromosome) from a pathogenic variant. ClinVar contains an entry for this variant (Variation ID: 449005). Invitae Evidence Modeling of protein sequence and biophysical properties (such as structural, functional, and spatial information, amino acid conservation, physicochemical variation, residue mobility, and thermodynamic stability) has been performed for this missense variant. However, the output from this modeling did not meet the statistical confidence thresholds required to predict the impact of this variant on COL7A1 protein function. For these reasons, this variant has been classified as Pathogenic.

Natera, Inc.
Classification: Pathogenic for Dystrophic epidermolysis bullosa. Last evaluated: 2025-09-11. Review status: criteria provided, single submitter. Criteria: Natera Variant Classification Schema (03/2026). Collection method: clinical testing. Allele origin: germline.
Comment: The c.7864C>T variant in COL7A1 is a missense variant predicted to cause substitution of arginine to tryptophan at amino acid 2622. This variant is rare in the general population with a frequency below the threshold expected for the associated phenotype(s). This variant has been observed in one or more individuals affected with the associated recessive disease, as either homozygous or compound heterozygous with a second variant (PMID: 22266148, 33274474). Given the available evidence, this variant is classified as Pathogenic.

Dasa
Classification: Pathogenic. Last evaluated: 2025-01-14. Review status: criteria provided, single submitter. Criteria: DASA Assertion Criteria. Collection method: clinical testing. Allele origin: germline.
Comment: NM_000094.4(COL7A1):c.7864C>T (p.Arg2622Trp) is a missense variant that results in the substitution of arginine with tryptophan. The affected residue or protein region has prior evidence supporting clinical relevance. This variant has been observed in affected individuals with related phenotype in a genotype context consistent with recessive disease. Multiple computational predictions support a deleterious effect on the gene or gene product. The variant is present at low frequency in population datasets. Based on the available data, this variant is classified as pathogenic.

Fulgent Genetics
Classification: Pathogenic for Transient bullous dermolysis of the newborn; Generalized dominant dystrophic epidermolysis bullosa; Pretibial dystrophic epidermolysis bullosa; Dominant dystrophic epidermolysis bullosa with absence of skin; Recessive dystrophic epidermolysis bullosa; Epidermolysis bullosa pruriginosa; Nonsyndromic congenital nail disorder 8. Last evaluated: 2024-05-05. Review status: criteria provided, single submitter. Criteria: ACMG Guidelines, 2015. Collection method: clinical testing. Allele origin: germline.

Women's Health and Genetics/Laboratory Corporation of America, LabCorp
Classification: Pathogenic for COL7A1-Related Disorders. Last evaluated: 2023-08-24. Review status: criteria provided, single submitter. Criteria: LabCorp Variant Classification Summary - May 2015. Collection method: clinical testing. Allele origin: germline.
Comment: Variant summary: COL7A1 c.7864C>T (p.Arg2622Trp) results in a non-conservative amino acid change in the encoded protein sequence. Four of five in-silico tools predict a damaging effect of the variant on protein function. The variant allele was found at a frequency of 2e-05 in 251164 control chromosomes (i.e., 5 heterozygotes; gnomAD v2.1 Exomes dataset). The available data on variant occurrences in the general population are insufficient to allow any conclusion about variant significance. c.7864C>T has been reported in the literature in multiple individuals affected with Dystrophic Epidermolysis Bullosa, Recessive (e.g., Gardella_2002, Escamez_2010, Jerabkova_2010, Almaani_2011, Wertheim-Tysarowska_2012, Mariath_2019). These data indicate that the variant is very likely to be associated with disease. The following publications have been ascertained in the context of this evaluation (PMID: 21448560, 20184583, 12485454, 20598510, 31001817, 22266148). Four submitters have reported clinical-significance assessments for this variant to ClinVar after 2014. All submitters classified the variant as pathogenic (n = 3) or likely pathogenic (n = 1). Based on the evidence outlined above, the variant was classified as pathogenic.

GeneDx
Classification: Likely pathogenic. Last evaluated: 2023-03-31. Review status: criteria provided, single submitter. Criteria: GeneDx Variant Classification Process June 2021. Collection method: clinical testing. Allele origin: germline. Affected: yes.
Comment: Published functional studies suggest a damaging effect due to aberrant formation of homo-trimers, decreased thermal stability, and decreased induction of keratinocyte migration as compared to wildtype (Woodley et al., 2021); In silico analysis supports that this missense variant has a deleterious effect on protein structure/function; Located at the Y position in a Gly-X-Y repeat within triple-helical region; This variant is associated with the following publications: (PMID: 26707537, 20920254, 20555349, 20598510, 20184583, 12485454, 21448560, 31001817, 22266148, 31589614, 33274474, 34674926)

Mendelics
Classification: Pathogenic for Transient bullous dermolysis of the newborn. Last evaluated: 2022-05-04. Review status: criteria provided, single submitter. Criteria: Mendelics Assertion Criteria 2019. Collection method: clinical testing. Allele origin: germline.

Biomedical Innovation Departament, CIEMAT
Classification: Pathogenic for Dystrophic epidermolysis bullosa. Last evaluated: 2016-07-13. Review status: criteria provided, single submitter. Criteria: ACMG Guidelines, 2015. Collection method: research. Allele origin: germline. Affected: yes. Observed: 4 variant alleles.

Juno Genomics, Hangzhou Juno Genomics, Inc
Classification: Likely pathogenic for Transient bullous dermolysis of the newborn; Recessive dystrophic epidermolysis bullosa; Generalized dominant dystrophic epidermolysis bullosa; Dominant dystrophic epidermolysis bullosa with absence of skin; Nonsyndromic congenital nail disorder 8; Epidermolysis bullosa pruriginosa; Pretibial dystrophic epidermolysis bullosa. Review status: criteria provided, single submitter. Criteria: ACMG Guidelines, 2015. Collection method: clinical testing. Allele origin: germline.
Comment: Absent from controls (or at extremely low frequency if recessive) in Genome Aggregation Database.;Multiple lines of computational evidence support a deleterious effect on the gene or gene product.;Missense variant in a gene that has a low rate of benign missense variation.;For recessive disorders, detected in trans with a pathogenic variant.;Patient's phenotype or family history is highly specific for a disease with a single genetic etiology.

Literature cited by the submitters: PubMed 12485454 (cited by Labcorp Genetics (formerly Invitae), Labcorp and Women's Health and Genetics/Laboratory Corporation of America, LabCorp); PubMed 20184583 (cited by 3 submitters); PubMed 21448560 (cited by Labcorp Genetics (formerly Invitae), Labcorp and Women's Health and Genetics/Laboratory Corporation of America, LabCorp); PubMed 22266148 (cited by 3 submitters); PubMed 33274474 (cited by Natera, Inc.); PubMed 31001817 (cited by Women's Health and Genetics/Laboratory Corporation of America, LabCorp); PubMed 20598510 (cited by Women's Health and Genetics/Laboratory Corporation of America, LabCorp).

NM_000094.4(COL7A1):c.7864C>T (p.Arg2622Trp)

Gene: COL7A1 (collagen type VII alpha 1 chain; minus strand). Cytogenetic location: 3p21.31.
Variant type: single nucleotide variant.
Coding change: c.7864C>T on transcript NM_000094.4 (MANE Select); coding-DNA position 7864, C replaced by T.
Protein change: p.Arg2622Trp; replaces arginine 2622 with tryptophan.
Molecular consequence: missense variant.
Genome position (GRCh38, 1-based): chr3:48,568,101, G>A on the plus strand (C>T on the coding strand, the complement: COL7A1 is on the minus strand). VCF-style: chr3-48568101-G-A. GRCh37 (hg19) VCF-style: chr3-48605534-G-A.
Other names: short protein forms R2622W.
Identifiers: ClinVar variation 449005 (VCV000449005.21), dbSNP rs139318843, ClinGen allele CA2378284.